The following is an entry in ClinVar:

ClinVar aggregate classification (germline): Uncertain significance (1 of 4 stars; one submission).

Allele frequency attached by ClinVar (database versions not stated): gnomAD exomes below 0.00001; TOPMed below 0.00001; gnomAD 0.00001.
gnomAD v4.1: 3 of 1,614,086 alleles (0.00019%); highest among the groups gnomAD compares: Admixed American, 0.0017%; no homozygotes.

Submission:

Ambry Genetics
Classification: Uncertain significance. Last evaluated: 2024-08-03. Review status: criteria provided, single submitter. Criteria: Ambry Variant Classification Scheme 2023. Collection method: clinical testing. Allele origin: germline.
Comment: The p.I85T variant (also known as c.254T>C), located in coding exon 3 of the NQO1 gene, results from a T to C substitution at nucleotide position 254. The isoleucine at codon 85 is replaced by threonine, an amino acid with similar properties. This amino acid position is conserved. In addition, this alteration is predicted to be deleterious by in silico analysis. Since supporting evidence is limited at this time, the clinical significance of this alteration remains unclear.

NM_000903.3(NQO1):c.254T>C (p.Ile85Thr)

Gene: NQO1 (NAD(P)H quinone dehydrogenase 1; minus strand). Cytogenetic location: 16q22.1.
Variant type: single nucleotide variant.
Coding change: c.254T>C on transcript NM_000903.3 (MANE Select); coding-DNA position 254, T replaced by C.
Protein change: p.Ile85Thr; replaces isoleucine 85 with threonine.
Molecular consequence: missense variant.
Genome position (GRCh38, 1-based): chr16:69,718,172, A>G on the plus strand (T>C on the coding strand, the complement: NQO1 is on the minus strand). VCF-style: chr16-69718172-A-G. GRCh37 (hg19) VCF-style: chr16-69752075-A-G.
Other names: c.254T>C, p.Ile85Thr (NM_001025433.2, NM_001025434.2, NM_001286137.2); short protein forms I85T.
Identifiers: ClinVar variation 1792937 (VCV001792937.3), dbSNP rs45476693, ClinGen allele CA283360966.